The following is an entry in ClinVar:

NM_021098.3(CACNA1H):c.6578C>T (p.Ser2193Leu)

Gene: CACNA1H (calcium voltage-gated channel subunit alpha1 H; plus strand). Cytogenetic location: 16p13.3.
Variant type: single nucleotide variant.
Coding change: c.6578C>T on transcript NM_021098.3 (MANE Select); coding-DNA position 6578, C replaced by T.
Protein change: p.Ser2193Leu; replaces serine 2193 with leucine.
Molecular consequence: missense variant.
Genome position (GRCh38, 1-based): chr16:1,220,510, C>T. VCF-style: chr16-1220510-C-T. GRCh37 (hg19) VCF-style: chr16-1270510-C-T.
Other names: c.6560C>T, p.Ser2187Leu (NM_001005407.2); short protein forms S2193L, S2187L.
Identifiers: ClinVar variation 834849 (VCV000834849.13), dbSNP rs748432349, ClinGen allele CA7802422.

ClinVar aggregate classification (germline): Conflicting classifications of pathogenicity. Review status: criteria provided, conflicting classifications (1 of 4 stars). 4 submissions from 4 submitters: Uncertain significance (3); Benign (1). Last evaluated 2025-03-19.

Conditions:
Idiopathic generalized epilepsy. Also called: Generalised epilepsy; EIG. Identifiers: MedGen C0270850, MONDO:0005579, OMIM 600669.
Hyperaldosteronism, familial, type IV (HALD4). Also called: FH IV; ALDOSTERONISM, PRIMARY, AND HYPERTENSION. Identifiers: Orphanet 642671, MedGen C4310756, MONDO:0014875, OMIM 617027.
Inborn genetic diseases. Identifiers: MedGen C0950123, MeSH D030342.

Allele frequency attached by ClinVar (database versions not stated): gnomAD exomes 0.00001 and 0.00003; ExAC 0.00002; gnomAD 0.00005; TOPMed 0.00007.
gnomAD v4.1: 19 of 1,539,940 alleles (0.0012%); highest among the groups gnomAD compares: East Asian, 0.014%; no homozygotes.

Submissions (4):

Women's Health and Genetics/Laboratory Corporation of America, LabCorp
Classification: Uncertain significance. Last evaluated: 2025-03-19. Review status: criteria provided, single submitter. Criteria: LabCorp Variant Classification Summary - May 2015. Collection method: clinical testing. Allele origin: germline.
Comment: Variant summary: CACNA1H c.6578C>T (p.Ser2193Leu) results in a non-conservative amino acid change in the encoded protein sequence. Four of five in-silico tools predict a damaging effect of the variant on protein function. The variant allele was found at a frequency of 3e-05 in 168930 control chromosomes. The available data on variant occurrences in the general population are insufficient to allow any conclusion about variant significance. To our knowledge, no occurrence of c.6578C>T in individuals affected with CACNA1H-Related Disorders and no experimental evidence demonstrating its impact on protein function have been reported. ClinVar contains an entry for this variant (Variation ID: 834849). Based on the evidence outlined above, the variant was classified as uncertain significance.

Ambry Genetics
Classification: Uncertain significance for Inborn genetic diseases. Last evaluated: 2024-10-06. Review status: criteria provided, single submitter. Criteria: Ambry Variant Classification Scheme 2023. Collection method: clinical testing. Allele origin: germline.

Labcorp Genetics (formerly Invitae), Labcorp
Classification: Benign for Idiopathic generalized epilepsy; Hyperaldosteronism, familial, type IV. Last evaluated: 2023-08-17. Review status: criteria provided, single submitter. Criteria: Invitae Variant Classification Sherloc (09022015). Collection method: clinical testing. Allele origin: germline.

GeneDx
Classification: Uncertain significance. Last evaluated: 2020-01-12. Review status: criteria provided, single submitter. Criteria: GeneDx Variant Classification Process June 2021. Collection method: clinical testing. Allele origin: germline. Affected: yes.
Comment: In silico analysis, which includes protein predictors and evolutionary conservation, supports a deleterious effect; Has not been previously published as pathogenic or benign to our knowledge